The following is an entry in ClinVar:

NM_000094.4(COL7A1):c.5308G>A (p.Gly1770Ser)

Gene: COL7A1 (collagen type VII alpha 1 chain; minus strand). Cytogenetic location: 3p21.31.
Variant type: single nucleotide variant.
Coding change: c.5308G>A on transcript NM_000094.4 (MANE Select); coding-DNA position 5308, G replaced by A.
Protein change: p.Gly1770Ser; replaces glycine 1770 with serine.
Molecular consequence: missense variant.
Genome position (GRCh38, 1-based): chr3:48,579,277, C>T on the plus strand (G>A on the coding strand, the complement: COL7A1 is on the minus strand). VCF-style: chr3-48579277-C-T. GRCh37 (hg19) VCF-style: chr3-48616710-C-T.
Other names: short protein forms G1770S.
Identifiers: ClinVar variation 2734517 (VCV002734517.3), dbSNP rs2531055149, ClinGen allele CA352676078.

ClinVar aggregate classification (germline): Pathogenic (1 of 4 stars; one submission).

Submission:

Labcorp Genetics (formerly Invitae), Labcorp
Classification: Pathogenic. Last evaluated: 2022-12-22. Review status: criteria provided, single submitter. Criteria: Invitae Variant Classification Sherloc (09022015). Collection method: clinical testing. Allele origin: germline.
Comment: This sequence change replaces glycine, which is neutral and non-polar, with serine, which is neutral and polar, at codon 1770 of the COL7A1 protein (p.Gly1770Ser). This variant disrupts the triple helix domain of COL7A1. Glycine residues within the Gly-Xaa-Yaa repeats of the triple helix domain are required for the structure and stability of fibrillar collagens (PMID: 7695699, 8218237, 19344236), and variants at these glycine residues in COL7A1 are more frequently observed in individuals with disease than in the general population (PMID: 22058051). However, the clinical significance of this observation remains uncertain since only a limited number of affected individuals have been described to date. Algorithms developed to predict the effect of missense changes on protein structure and function are either unavailable or do not agree on the potential impact of this missense change (SIFT: "Deleterious"; PolyPhen-2: "Not Available"; Align-GVGD: "Class C0"). This missense change has been observed in individual(s) with autosomal recessive and autosomal dominant dystrophic epidermolysis bullosa (PMID: 21448560). It has also been observed to segregate with disease in related individuals. This variant is not present in population databases (gnomAD no frequency). For these reasons, this variant has been classified as Pathogenic.

Literature cited by the submitters: PubMed 7695699; PubMed 8218237; PubMed 19344236; PubMed 22058051; PubMed 21448560.